The following is an entry in ClinVar:

ClinVar aggregate classification (germline): Pathogenic/Likely pathogenic. Review status: criteria provided, multiple submitters, no conflicts (2 of 4 stars). 2 submissions from 2 submitters: Pathogenic (1); Likely pathogenic (1). Last evaluated 2024-03-03.

Conditions:
Glycogen storage disease, type V (GSD5). Also called: McArdle type glycogen storage disease; MCARDLE DISEASE; MUSCLE GLYCOGEN PHOSPHORYLASE DEFICIENCY; MYOPHOSPHORYLASE DEFICIENCY; PYGM DEFICIENCY. Identifiers: Orphanet 368, MedGen C0017924, MONDO:0009293, OMIM 232600.

Submissions (2):

Baylor Genetics
Classification: Likely pathogenic for Glycogen storage disease, type V. Last evaluated: 2024-03-03. Review status: criteria provided, single submitter. Criteria: ACMG Guidelines, 2015. Collection method: clinical testing. Allele origin: unknown.

Labcorp Genetics (formerly Invitae), Labcorp
Classification: Pathogenic for Glycogen storage disease, type V. Last evaluated: 2023-12-02. Review status: criteria provided, single submitter. Criteria: Invitae Variant Classification Sherloc (09022015). Collection method: clinical testing. Allele origin: germline.
Comment: This variant, c.1362_1394del, results in the deletion of 11 amino acid(s) of the PYGM protein (p.Asn454_Leu464del), but otherwise preserves the integrity of the reading frame. This variant is not present in population databases (gnomAD no frequency). This variant has not been reported in the literature in individuals affected with PYGM-related conditions. This variant disrupts a region of the PYGM protein in which other variant(s) (p.Val456Met) have been determined to be pathogenic (PMID: 14568816, 17324573, 17876739, 22250184, 29143597). This suggests that this is a clinically significant region of the protein, and that variants that disrupt it are likely to be disease-causing. For these reasons, this variant has been classified as Pathogenic.

Literature cited by the submitters: PubMed 14568816 (cited by Labcorp Genetics (formerly Invitae), Labcorp); PubMed 17324573 (cited by Labcorp Genetics (formerly Invitae), Labcorp); PubMed 17876739 (cited by Labcorp Genetics (formerly Invitae), Labcorp); PubMed 22250184 (cited by Labcorp Genetics (formerly Invitae), Labcorp); PubMed 29143597 (cited by Labcorp Genetics (formerly Invitae), Labcorp).

NM_005609.4(PYGM):c.1362_1394del (p.Asn454_Leu464del)

Gene: PYGM (glycogen phosphorylase, muscle associated; minus strand). Cytogenetic location: 11q13.1.
Variant type: Deletion.
Coding change: c.1362_1394del on transcript NM_005609.4 (MANE Select); coding-DNA positions 1362 to 1394, 33 bases deleted.
Protein change: p.Asn454_Leu464del.
Genome position (GRCh38, 1-based): chr11:64,753,528-64,753,560, 33 bases deleted; deleting any 33 consecutive bases within chr11:64,753,528-64,753,564 gives the same sequence; the c. name uses the placement nearest the transcript's 3' end. GRCh37 (hg19): chr11:64,521,004-64,521,036.
Other names: c.1098_1130del, p.Asn366_Leu376del (NM_001164716.1).
Identifiers: ClinVar variation 2678121 (VCV002678121.5), dbSNP rs2496656680, ClinGen allele CA2614197406.
Genomic context (GRCh38, chr11:64,753,527, plus strand): 5'-CGTGGAGTGGGTGGGGCCTAGAGAGGGGCGGGATCTGGAAAGCGGGGCTCACATGGTCTT[CTTGAGGATCTCGGAGTGGATGCGCGCCACGCCG>C]TTGACGGCGTGCGACCCCGCGATGCACAGGTGTGCCATGTTGATGCGCTTCACTGCGCCC-3'